The following is an entry in ClinVar:

ClinVar aggregate classification (germline): Uncertain significance (1 of 4 stars; one submission).

Conditions:
Saldino-Mainzer syndrome (SRTD9). Also called: CONORENAL SYNDROME; Renal dysplasia, retinal pigmentary dystrophy, cerebellar ataxia and skeletal dysplasia; SHORT-RIB THORACIC DYSPLASIA 9 WITHOUT POLYDACTYLY; short-rib thoracic dysplasia 9 with or without polydactyly. Identifiers: Orphanet 140969, MedGen C1849437, MONDO:0009964, OMIM 266920.

Submission:

Labcorp Genetics (formerly Invitae), Labcorp
Classification: Uncertain significance for Saldino-Mainzer syndrome. Last evaluated: 2023-04-10. Review status: criteria provided, single submitter. Criteria: Invitae Variant Classification Sherloc (09022015). Collection method: clinical testing. Allele origin: germline.
Comment: This variant is not present in population databases (gnomAD no frequency). This sequence change replaces alanine, which is neutral and non-polar, with valine, which is neutral and non-polar, at codon 1290 of the IFT140 protein (p.Ala1290Val). This variant has not been reported in the literature in individuals affected with IFT140-related conditions. Advanced modeling of protein sequence and biophysical properties (such as structural, functional, and spatial information, amino acid conservation, physicochemical variation, residue mobility, and thermodynamic stability) has been performed at Invitae for this missense variant, however the output from this modeling did not meet the statistical confidence thresholds required to predict the impact of this variant on IFT140 protein function. In summary, the available evidence is currently insufficient to determine the role of this variant in disease. Therefore, it has been classified as a Variant of Uncertain Significance.

NM_014714.4(IFT140):c.3869C>T (p.Ala1290Val)

Gene: IFT140 (intraflagellar transport 140; minus strand). Cytogenetic location: 16p13.3.
Variant type: single nucleotide variant.
Coding change: c.3869C>T on transcript NM_014714.4 (MANE Select); coding-DNA position 3869, C replaced by T.
Protein change: p.Ala1290Val; replaces alanine 1290 with valine.
Molecular consequence: missense variant.
Genome position (GRCh38, 1-based): chr16:1,520,135, G>A on the plus strand (C>T on the coding strand, the complement: IFT140 is on the minus strand). VCF-style: chr16-1520135-G-A. GRCh37 (hg19) VCF-style: chr16-1570136-G-A.
Other names: short protein forms A1290V.
Identifiers: ClinVar variation 2853828 (VCV002853828.3), dbSNP rs2506075419, ClinGen allele CA394224228.